The following is an entry in ClinVar:

ClinVar aggregate classification (germline): Likely benign (1 of 4 stars; one submission).

Allele frequency attached by ClinVar (database versions not stated): gnomAD exomes below 0.00001; gnomAD 0.00001; TOPMed 0.00002.
gnomAD v4.1: 4 of 1,614,012 alleles (0.00025%); highest among the groups gnomAD compares: Admixed American, 0.005%; no homozygotes.

Submission:

GeneDx
Classification: Likely benign. Last evaluated: 2020-12-18. Review status: criteria provided, single submitter. Criteria: GeneDx Variant Classification Process June 2021. Collection method: clinical testing. Allele origin: germline. Affected: yes.
Comment: See Variant Classification Assertion Criteria.

NM_002160.4(TNC):c.2076A>G (p.Val692=)

Gene: TNC (tenascin C; minus strand). Cytogenetic location: 9q33.1.
Variant type: single nucleotide variant.
Coding change: c.2076A>G on transcript NM_002160.4 (MANE Select); coding-DNA position 2076, A replaced by G.
Protein change: p.Val692=; no amino-acid change (valine 692 retained).
Molecular consequence: synonymous variant.
Genome position (GRCh38, 1-based): chr9:115,084,264, T>C on the plus strand (A>G on the coding strand, the complement: TNC is on the minus strand). VCF-style: chr9-115084264-T-C. GRCh37 (hg19) VCF-style: chr9-117846543-T-C.
Other names: c.2076A>G, p.Val692= (NM_001410991.1).
Identifiers: ClinVar variation 1706872 (VCV001706872.2), dbSNP rs1490864253, ClinGen allele CA466790719.